The following is an entry in ClinVar:

ClinVar aggregate classification (germline): Pathogenic (1 of 4 stars; one submission).

Conditions:
Primary ciliary dyskinesia. Also called: Ciliary dyskinesia. Identifiers: Orphanet 244, MedGen C0008780, MONDO:0016575, HP:0012265.

Submission:

Labcorp Genetics (formerly Invitae), Labcorp
Classification: Pathogenic for Primary ciliary dyskinesia. Last evaluated: 2022-06-13. Review status: criteria provided, single submitter. Criteria: Invitae Variant Classification Sherloc (09022015). Collection method: clinical testing. Allele origin: germline.
Comment: For these reasons, this variant has been classified as Pathogenic. This variant has not been reported in the literature in individuals affected with DNAH11-related conditions. This variant is not present in population databases (gnomAD no frequency). This sequence change creates a premature translational stop signal (p.Gln356Aspfs*23) in the DNAH11 gene. It is expected to result in an absent or disrupted protein product. Loss-of-function variants in DNAH11 are known to be pathogenic (PMID: 18022865, 20513915, 22184204).

Literature cited by the submitters: PubMed 18022865; PubMed 20513915; PubMed 22184204.

NM_001277115.2(DNAH11):c.1066_1067del (p.Gln356fs)

Gene: DNAH11 (dynein axonemal heavy chain 11; plus strand). Cytogenetic location: 7p15.3.
Variant type: Microsatellite.
Coding change: c.1066_1067del on transcript NM_001277115.2 (MANE Select); coding-DNA positions 1066 to 1067, 2 bases deleted (CA; older notation c.1066_1067delCA).
Protein change: p.Gln356fs; shifts the reading frame from glutamine 356.
Molecular consequence: frameshift variant.
Genome position (GRCh38, 1-based): chr7:21,564,269-21,564,270, CA deleted; deleting any 2 consecutive bases within chr7:21,564,267-21,564,270 gives the same sequence; the c. name uses the placement nearest the transcript's 3' end. VCF-style (leftmost placement, unchanged base first): chr7-21564266-CCA-C. GRCh37 (hg19) VCF-style: chr7-21603884-CCA-C.
Other names: c.1064_1065CA[1], p.Gln356Aspfs (NM_003777.3); short protein forms Q356fs.
Identifiers: ClinVar variation 2053486 (VCV002053486.4), dbSNP rs2534495724, ClinGen allele CA2580615859.